The following is an entry in ClinVar:

NM_001605.3(AARS1):c.2612T>C (p.Leu871Pro)

Gene: AARS1 (alanyl-tRNA synthetase 1; minus strand). Cytogenetic location: 16q22.1.
Variant type: single nucleotide variant.
Coding change: c.2612T>C on transcript NM_001605.3 (MANE Select); coding-DNA position 2612, T replaced by C.
Protein change: p.Leu871Pro; replaces leucine 871 with proline.
Molecular consequence: missense variant.
Genome position (GRCh38, 1-based): chr16:70,253,377, A>G on the plus strand (T>C on the coding strand, the complement: AARS1 is on the minus strand). VCF-style: chr16-70253377-A-G. GRCh37 (hg19) VCF-style: chr16-70287280-A-G.
Other names: short protein forms L871P.
Identifiers: ClinVar variation 1682102 (VCV001682102.6), dbSNP rs2152149764, ClinGen allele CA396554830.
Genomic context (GRCh38, chr16:70,253,377, plus strand): 5'-GTGAAGAGCATGGCAGAAGTCTGAGGGGAGTGCATCTTGAAGAGCTTCAAGGCTTCATTC[A>G]GGGCCTGTGGGGAGGACCTGGCTCAGGCCACGGTGCTGGAGCAGGGACCCTCACTAGTGT-3'
Protein context (NP_001596.2, residues 861-881): EMESGASAKA[Leu871Pro]NEALKLFKMH

ClinVar aggregate classification (germline): Uncertain significance (1 of 4 stars; one submission).

Conditions:
Charcot-Marie-Tooth disease type 2. Also called: Charcot-Marie-Tooth type 2. Identifiers: Orphanet 64746, MedGen C0270914, MONDO:0018993.

Submission:

Labcorp Genetics (formerly Invitae), Labcorp
Classification: Uncertain significance for Charcot-Marie-Tooth disease type 2. Last evaluated: 2025-04-14. Review status: criteria provided, single submitter. Criteria: Invitae Variant Classification Sherloc (09022015). Collection method: clinical testing. Allele origin: germline.
Comment: This sequence change replaces leucine, which is neutral and non-polar, with proline, which is neutral and non-polar, at codon 871 of the AARS protein (p.Leu871Pro). This variant is not present in population databases (gnomAD no frequency). This variant has not been reported in the literature in individuals affected with AARS-related conditions. ClinVar contains an entry for this variant (Variation ID: 1682102). Invitae Evidence Modeling of protein sequence and biophysical properties (such as structural, functional, and spatial information, amino acid conservation, physicochemical variation, residue mobility, and thermodynamic stability) has been performed for this missense variant. However, the output from this modeling did not meet the statistical confidence thresholds required to predict the impact of this variant on AARS protein function. In summary, the available evidence is currently insufficient to determine the role of this variant in disease. Therefore, it has been classified as a Variant of Uncertain Significance.